The following is an entry in ClinVar:

ClinVar aggregate classification (germline): Uncertain significance (1 of 4 stars; one submission).

Conditions:
Bardet-Biedl syndrome (BBS). Identifiers: Orphanet 110, MedGen C0752166, MONDO:0015229.

Submission:

Labcorp Genetics (formerly Invitae), Labcorp
Classification: Uncertain significance for Bardet-Biedl syndrome. Last evaluated: 2024-03-24. Review status: criteria provided, single submitter. Criteria: Invitae Variant Classification Sherloc (09022015). Collection method: clinical testing. Allele origin: germline.
Comment: This sequence change replaces glycine, which is neutral and non-polar, with arginine, which is basic and polar, at codon 191 of the BBS12 protein (p.Gly191Arg). This variant is not present in population databases (gnomAD no frequency). This variant has not been reported in the literature in individuals affected with BBS12-related conditions. Advanced modeling of protein sequence and biophysical properties (such as structural, functional, and spatial information, amino acid conservation, physicochemical variation, residue mobility, and thermodynamic stability) performed at Invitae indicates that this missense variant is not expected to disrupt BBS12 protein function with a negative predictive value of 80%. In summary, the available evidence is currently insufficient to determine the role of this variant in disease. Therefore, it has been classified as a Variant of Uncertain Significance.

NM_152618.3(BBS12):c.571G>C (p.Gly191Arg)

Gene: BBS12 (Bardet-Biedl syndrome 12; plus strand). Cytogenetic location: 4q27.
Variant type: single nucleotide variant.
Coding change: c.571G>C on transcript NM_152618.3 (MANE Select); coding-DNA position 571, G replaced by C.
Protein change: p.Gly191Arg; replaces glycine 191 with arginine.
Molecular consequence: missense variant.
Genome position (GRCh38, 1-based): chr4:122,742,463, G>C. VCF-style: chr4-122742463-G-C. GRCh37 (hg19) VCF-style: chr4-123663618-G-C.
Other names: c.571G>C, p.Gly191Arg (NM_001178007.2); short protein forms G191R.
Identifiers: ClinVar variation 3620002 (VCV003620002.2).